The following is an entry in ClinVar:

ClinVar aggregate classification (germline): Uncertain significance (1 of 4 stars; one submission).

Submission:

Ambry Genetics
Classification: Uncertain significance. Last evaluated: 2023-10-15. Review status: criteria provided, single submitter. Criteria: Ambry Variant Classification Scheme 2023. Collection method: clinical testing. Allele origin: germline.
Comment: The p.F2577L variant (also known as c.7729T>C), located in coding exon 57 of the PRKDC gene, results from a T to C substitution at nucleotide position 7729. The phenylalanine at codon 2577 is replaced by leucine, an amino acid with highly similar properties. This amino acid position is conserved. In addition, this alteration is predicted to be deleterious by in silico analysis. Since supporting evidence is limited at this time, the clinical significance of this alteration remains unclear.

NM_006904.7(PRKDC):c.7729T>C (p.Phe2577Leu)

Gene: PRKDC (protein kinase, DNA-activated, catalytic subunit; minus strand). Cytogenetic location: 8q11.21.
Variant type: single nucleotide variant.
Coding change: c.7729T>C on transcript NM_006904.7 (MANE Select); coding-DNA position 7729, T replaced by C.
Protein change: p.Phe2577Leu; replaces phenylalanine 2577 with leucine.
Molecular consequence: missense variant.
Genome position (GRCh38, 1-based): chr8:47,837,244, A>G on the plus strand (T>C on the coding strand, the complement: PRKDC is on the minus strand). VCF-style: chr8-47837244-A-G. GRCh37 (hg19) VCF-style: chr8-48749805-A-G.
Other names: c.7729T>C, p.Phe2577Leu (NM_001081640.2); short protein forms F2577L.
Identifiers: ClinVar variation 3225915 (VCV003225915.1), dbSNP rs2551867486, ClinGen allele CA371152512.